The following is an entry in ClinVar:

NM_015102.5(NPHP4):c.2125G>A (p.Asp709Asn)

Gene: NPHP4 (nephrocystin 4; minus strand). Cytogenetic location: 1p36.31.
Variant type: single nucleotide variant.
Coding change: c.2125G>A on transcript NM_015102.5 (MANE Select); coding-DNA position 2125, G replaced by A.
Protein change: p.Asp709Asn; replaces aspartic acid 709 with asparagine.
Molecular consequence: missense variant. On other transcripts: non-coding transcript variant (1).
Genome position (GRCh38, 1-based): chr1:5,904,635, C>T on the plus strand (G>A on the coding strand, the complement: NPHP4 is on the minus strand). VCF-style: chr1-5904635-C-T. GRCh37 (hg19) VCF-style: chr1-5964695-C-T.
Other names: c.586G>A, p.Asp196Asn (NM_001291593.2); c.589G>A, p.Asp197Asn (NM_001291594.2); short protein forms D196N, D197N, D709N.
Identifiers: ClinVar variation 1408270 (VCV001408270.8), dbSNP rs1282597137, ClinGen allele CA338052887.

ClinVar aggregate classification (germline): Uncertain significance (1 of 4 stars; one submission).

Conditions:
Nephronophthisis. Also called: Juvenile Nephronophthisis. Identifiers: Orphanet 655, MedGen C0687120, MONDO:0019005, HP:0000090.

Allele frequency attached by ClinVar (database versions not stated): gnomAD exomes below 0.00001 and 0.00001.
gnomAD v4.1: 4 of 1,610,576 alleles (0.00025%); highest among the groups gnomAD compares: Non-Finnish European, 0.00025%; no homozygotes.

Submission:

Labcorp Genetics (formerly Invitae), Labcorp
Classification: Uncertain significance for Nephronophthisis. Last evaluated: 2022-01-21. Review status: criteria provided, single submitter. Criteria: Invitae Variant Classification Sherloc (09022015). Collection method: clinical testing. Allele origin: germline.
Comment: In summary, the available evidence is currently insufficient to determine the role of this variant in disease. Therefore, it has been classified as a Variant of Uncertain Significance. Algorithms developed to predict the effect of missense changes on protein structure and function are either unavailable or do not agree on the potential impact of this missense change (SIFT: "Tolerated"; PolyPhen-2: "Probably Damaging"; Align-GVGD: "Class C0"). This variant has not been reported in the literature in individuals affected with NPHP4-related conditions. This variant is present in population databases (no rsID available, gnomAD 0.0009%). This sequence change replaces aspartic acid, which is acidic and polar, with asparagine, which is neutral and polar, at codon 709 of the NPHP4 protein (p.Asp709Asn).